The following is an entry in ClinVar:

ClinVar aggregate classification (germline): Pathogenic (1 of 4 stars; one submission).

Conditions:
Charcot-Marie-Tooth disease type 4. Also called: Charcot-Marie-Tooth disease, type IV; Charcot-Marie-Tooth, Type 4. Identifiers: Orphanet 64749, MedGen C4082197, MONDO:0018995.

Allele frequency attached by ClinVar (database versions not stated): gnomAD exomes 0.00001.
gnomAD v4.1: 7 of 1,613,186 alleles (0.00043%); highest among the groups gnomAD compares: Non-Finnish European, 0.00059%; no homozygotes.

Submission:

Labcorp Genetics (formerly Invitae), Labcorp
Classification: Pathogenic for Charcot-Marie-Tooth disease type 4. Last evaluated: 2016-10-24. Review status: criteria provided, single submitter. Criteria: Invitae Variant Classification Sherloc (09022015). Collection method: clinical testing. Allele origin: germline.
Comment: This sequence change affects a donor splice site in intron 20 of the SBF2 gene. It is expected to disrupt mRNA splicing and likely results in an absent or disrupted protein product. Donor and acceptor splice site variants are typically truncating (PMID: 16199547), and truncating variants in SBF2 are known to be pathogenic (PMID: 15304601).This particular variant has been reported in the literature in an individual affected with Charcot-Marie-Tooth disease (CMT) type 1 (PMID: 26392352) and in an individual affected with CMT in the Invitae database. For these reasons, this variant has been classified as Pathogenic.

Literature cited by the submitters: PubMed 16199547; PubMed 15304601; PubMed 26392352.

NM_030962.4(SBF2):c.2536+1G>A

Genes: SBF2 (SET binding factor 2; minus strand), LOC101928008 (uncharacterized LOC101928008; plus strand). Cytogenetic location: 11p15.4.
Variant type: single nucleotide variant.
Coding change: c.2536+1G>A on transcript NM_030962.4 (MANE Select); the canonical splice donor site of the intron after coding-DNA position 2536, G replaced by A.
Molecular consequence: splice donor variant.
Genome position (GRCh38, 1-based): chr11:9,853,539, C>T on the plus strand (G>A on the coding strand, the complement: SBF2 is on the minus strand). VCF-style: chr11-9853539-C-T. GRCh37 (hg19) VCF-style: chr11-9875086-C-T.
Other names: c.2407+1G>A (NM_001386342.1); c.2536+1G>A (NM_001386339.1).
Identifiers: ClinVar variation 403862 (VCV000403862.9), dbSNP rs1060500001, ClinGen allele CA16613653.